The following is an entry in ClinVar:

ClinVar aggregate classification (germline): Pathogenic (1 of 4 stars; one submission).

Conditions:
Intellectual developmental disorder, X-linked 99, syndromic, female-restricted. Also called: Intellectual disability, X-linked 99, syndromic, female-restricted. Identifiers: MedGen C4225416, MONDO:0010502, OMIM 300968.

Submission:

Imagene.me medical diagnostic laboratory, IMAGENE.ME SA
Classification: Pathogenic for Intellectual developmental disorder, X-linked 99, syndromic, female-restricted. Review status: criteria provided, single submitter. Criteria: IMAGENE.ME Variant Classification SOP 2022. Collection method: clinical testing. Allele origin: de novo. Affected: yes.
Comment: Classified according to the IMAGENE.ME variant classification SOP based on the ACMG guidelines as Pathogenic (P): PVS1 + PS2_Moderate + PM2_Supporting + PP4

NM_001039591.3(USP9X):c.6773del (p.Pro2258fs)

Gene: USP9X (ubiquitin specific peptidase 9 X-linked; plus strand). Cytogenetic location: Xp11.4.
Variant type: Deletion.
Coding change: c.6773del on transcript NM_001039591.3 (MANE Select); coding-DNA position 6773, one base deleted (C; older notation c.6773delC).
Protein change: p.Pro2258fs; shifts the reading frame from proline 2258.
Molecular consequence: frameshift variant.
Genome position (GRCh38, 1-based): chrX:41,224,763, C deleted; the last of 2 consecutive C bases (chrX:41,224,762-41,224,763); deleting either gives the same sequence. VCF-style (leftmost placement, unchanged base first): chrX-41224761-TC-T. GRCh37 (hg19) VCF-style: chrX-41084014-TC-T.
Other names: c.6773del, p.Pro2258fs (NM_001039590.3); c.6788del, p.Pro2263fs (NM_001410748.1, NM_001410749.1, NM_001437534.1); short protein forms P2258fs, P2263fs.
Identifiers: ClinVar variation 4685517 (VCV004685517.1).